The following is an entry in ClinVar:

NM_014956.5(CEP164):c.1982G>A (p.Arg661Gln)

Gene: CEP164 (centrosomal protein 164; plus strand). Cytogenetic location: 11q23.3.
Variant type: single nucleotide variant.
Coding change: c.1982G>A on transcript NM_014956.5 (MANE Select); coding-DNA position 1982, G replaced by A.
Protein change: p.Arg661Gln; replaces arginine 661 with glutamine.
Molecular consequence: missense variant.
Genome position (GRCh38, 1-based): chr11:117,390,824, G>A. VCF-style: chr11-117390824-G-A. GRCh37 (hg19) VCF-style: chr11-117261540-G-A.
Other names: c.1991G>A, p.Arg664Gln (NM_001271933.2); short protein forms R664Q, R661Q.
Identifiers: ClinVar variation 849481 (VCV000849481.8), dbSNP rs781063589, ClinGen allele CA6294920.

ClinVar aggregate classification (germline): Uncertain significance. Review status: criteria provided, multiple submitters, no conflicts (2 of 4 stars). 3 submissions from 3 submitters: Uncertain significance (2). 1 of the submissions does not count toward it. Last evaluated 2023-12-21.

Conditions:
Inborn genetic diseases. Identifiers: MedGen C0950123, MeSH D030342.
Nephronophthisis 15 (NPHP15). Identifiers: Orphanet 3156, MedGen C3541853, MONDO:0013917, OMIM 614845.
CEP164-related disorder. Also called: CEP164-related condition.

Allele frequency attached by ClinVar (database versions not stated): gnomAD exomes 0.00002 and 0.00003; ExAC 0.00003; gnomAD 0.00003 and 0.00004; TOPMed 0.00003.
gnomAD v4.1: 47 of 1,613,598 alleles (0.0029%); highest among the groups gnomAD compares: African/African-American, 0.004%; no homozygotes.

Submissions (3):

Ambry Genetics
Classification: Uncertain significance for Inborn genetic diseases. Last evaluated: 2023-12-21. Review status: criteria provided, single submitter. Criteria: Ambry Variant Classification Scheme 2023. Collection method: clinical testing. Allele origin: germline.

Labcorp Genetics (formerly Invitae), Labcorp
Classification: Uncertain significance for Nephronophthisis 15. Last evaluated: 2022-10-17. Review status: criteria provided, single submitter. Criteria: Invitae Variant Classification Sherloc (09022015). Collection method: clinical testing. Allele origin: germline.
Comment: This sequence change replaces arginine, which is basic and polar, with glutamine, which is neutral and polar, at codon 661 of the CEP164 protein (p.Arg661Gln). This variant is present in population databases (rs781063589, gnomAD 0.006%). This variant has not been reported in the literature in individuals affected with CEP164-related conditions. ClinVar contains an entry for this variant (Variation ID: 849481). Advanced modeling of protein sequence and biophysical properties (such as structural, functional, and spatial information, amino acid conservation, physicochemical variation, residue mobility, and thermodynamic stability) performed at Invitae indicates that this missense variant is not expected to disrupt CEP164 protein function. In summary, the available evidence is currently insufficient to determine the role of this variant in disease. Therefore, it has been classified as a Variant of Uncertain Significance.

PreventionGenetics, part of Exact Sciences
Classification: Uncertain significance for CEP164-related condition. Last evaluated: 2024-08-06. Review status: no assertion criteria provided. Collection method: clinical testing. Allele origin: germline. Not counted in ClinVar's aggregate classification.
Comment: The CEP164 c.1982G>A variant is predicted to result in the amino acid substitution p.Arg661Gln. To our knowledge, this variant has not been reported in the literature. This variant is reported in 0.0033% of alleles in individuals of South Asian descent in gnomAD. At this time, the clinical significance of this variant is uncertain due to the absence of conclusive functional and genetic evidence.